The following is an entry in ClinVar:

ClinVar aggregate classification (germline): Uncertain significance (1 of 4 stars; one submission).

Conditions:
Capillary malformation-arteriovenous malformation syndrome. Also called: Capillary malformation-arteriovenous malformation. Identifiers: Orphanet 137667, MedGen C1842180, MONDO:0012016.

Submission:

Labcorp Genetics (formerly Invitae), Labcorp
Classification: Uncertain significance for Capillary malformation-arteriovenous malformation syndrome. Last evaluated: 2024-10-04. Review status: criteria provided, single submitter. Criteria: Invitae Variant Classification Sherloc (09022015). Collection method: clinical testing. Allele origin: germline.
Comment: This sequence change replaces valine, which is neutral and non-polar, with methionine, which is neutral and non-polar, at codon 944 of the RASA1 protein (p.Val944Met). This variant is not present in population databases (gnomAD no frequency). This variant has not been reported in the literature in individuals affected with RASA1-related conditions. An algorithm developed to predict the effect of missense changes on protein structure and function (PolyPhen-2) suggests that this variant is likely to be disruptive. In summary, the available evidence is currently insufficient to determine the role of this variant in disease. Therefore, it has been classified as a Variant of Uncertain Significance.

NM_002890.3(RASA1):c.2830G>A (p.Val944Met)

Genes: CCNH (cyclin H; minus strand), RASA1 (RAS p21 protein activator 1; plus strand). Cytogenetic location: 5q14.3.
Variant type: single nucleotide variant.
Coding change: c.2830G>A on transcript NM_002890.3 (MANE Select); coding-DNA position 2830, G replaced by A.
Protein change: p.Val944Met; replaces valine 944 with methionine.
Molecular consequence: missense variant. On other transcripts: intron variant (1).
Genome position (GRCh38, 1-based): chr5:87,385,372, G>A. VCF-style: chr5-87385372-G-A. GRCh37 (hg19) VCF-style: chr5-86681189-G-A.
Other names: c.2299G>A, p.Val767Met (NM_022650.3); c.933+9672C>T (NM_001364075.2); short protein forms V767M, V944M.
Identifiers: ClinVar variation 3628309 (VCV003628309.2).